The following is an entry in ClinVar:

ClinVar aggregate classification (germline): Benign/Likely benign. Review status: criteria provided, multiple submitters, no conflicts (2 of 4 stars). 4 submissions from 4 submitters: Benign (1); Likely benign (3). Last evaluated 2026-09-01.

Conditions:
Charcot-Marie-Tooth disease dominant intermediate F. Identifiers: Orphanet 352670, MedGen C4749463, MONDO:0014074, OMIM 615185.
GNB4-related disorder. Also called: GNB4-related condition.
Inborn genetic diseases. Identifiers: MedGen C0950123, MeSH D030342.

Allele frequency attached by ClinVar (database versions not stated): gnomAD exomes 0.00005 and 0.00010; ExAC 0.00013; ESP Exome Variant Server 0.00023; TOPMed 0.00031; gnomAD 0.00037; 1000 Genomes Project 0.00120; 1000 Genomes Project 30x 0.00141.
gnomAD v4.1: 127 of 1,594,112 alleles (0.008%); highest among the groups gnomAD compares: African/African-American, 0.15%; 2 homozygotes.

Submissions (4):

CeGaT Center for Human Genetics Tuebingen
Classification: Likely benign. Last evaluated: 2026-09-01. Review status: criteria provided, single submitter. Criteria: CeGaT Center For Human Genetics Tuebingen Variant Classification Criteria Version 2. Collection method: clinical testing. Allele origin: germline. Affected: yes. Observed: 1 variant allele.
Comment: GNB4: BP4, BP7

PreventionGenetics, part of Exact Sciences
Classification: Likely benign for GNB4-related condition. Last evaluated: 2025-06-06. Review status: criteria provided, single submitter. Criteria: ACMG Guidelines, 2015. Collection method: clinical testing. Allele origin: germline.
Comment: This variant is classified as likely benign based on ACMG/AMP sequence variant interpretation guidelines (Richards et al. 2015 PMID: 25741868, with internal and published modifications).

Labcorp Genetics (formerly Invitae), Labcorp
Classification: Benign for Charcot-Marie-Tooth disease dominant intermediate F. Last evaluated: 2025-05-13. Review status: criteria provided, single submitter. Criteria: Invitae Variant Classification Sherloc (09022015). Collection method: clinical testing. Allele origin: germline.

Ambry Genetics
Classification: Likely benign for Inborn genetic diseases. Last evaluated: 2019-07-11. Review status: criteria provided, single submitter. Criteria: Ambry Variant Classification Scheme 2023. Collection method: clinical testing. Allele origin: germline.

NM_021629.4(GNB4):c.243T>C (p.Ile81=)

Gene: GNB4 (G protein subunit beta 4; minus strand). Cytogenetic location: 3q26.33.
Variant type: single nucleotide variant.
Coding change: c.243T>C on transcript NM_021629.4 (MANE Select); coding-DNA position 243, T replaced by C.
Protein change: p.Ile81=; no amino-acid change (isoleucine 81 retained).
Molecular consequence: synonymous variant.
Genome position (GRCh38, 1-based): chr3:179,416,517, A>G on the plus strand (T>C on the coding strand, the complement: GNB4 is on the minus strand). VCF-style: chr3-179416517-A-G. GRCh37 (hg19) VCF-style: chr3-179134305-A-G.
Identifiers: ClinVar variation 540923 (VCV000540923.16), dbSNP rs200696108, ClinGen allele CA2712528.